The following is an entry in ClinVar:

ClinVar aggregate classification (germline): Uncertain significance (1 of 4 stars; one submission).

Conditions:
Inborn genetic diseases. Identifiers: MedGen C0950123, MeSH D030342.

gnomAD v4.1: 1 of 1,600,012 alleles (0.000062%); highest among the groups gnomAD compares: Non-Finnish European, 0.000085%; no homozygotes.

Submission:

Ambry Genetics
Classification: Uncertain significance for Inborn genetic diseases. Last evaluated: 2025-05-17. Review status: criteria provided, single submitter. Criteria: Ambry Variant Classification Scheme 2023. Collection method: clinical testing. Allele origin: germline.
Comment: The p.R1032G variant (also known as c.3094A>G), located in coding exon 30 of the RTEL1 gene, results from an A to G substitution at nucleotide position 3094. The arginine at codon 1032 is replaced by glycine, an amino acid with dissimilar properties. This amino acid position is conserved. In addition, this alteration is predicted to be tolerated by in silico analysis. Based on the available evidence, the clinical significance of this variant remains unclear.

NM_001283009.2(RTEL1):c.3094A>G (p.Arg1032Gly)

Genes: RTEL1 (regulator of telomere elongation helicase 1; plus strand), RTEL1-TNFRSF6B (RTEL1-TNFRSF6B readthrough (NMD candidate); plus strand). Cytogenetic location: 20q13.33.
Variant type: single nucleotide variant.
Coding change: c.3094A>G on transcript NM_001283009.2 (MANE Select); coding-DNA position 3094, A replaced by G.
Protein change: p.Arg1032Gly; replaces arginine 1032 with glycine.
Molecular consequence: missense variant. On other transcripts: non-coding transcript variant (1).
Genome position (GRCh38, 1-based): chr20:63,694,473, A>G. VCF-style: chr20-63694473-A-G. GRCh37 (hg19) VCF-style: chr20-62325826-A-G.
Other names: c.2425A>G, p.Arg809Gly (NM_001283010.1); c.3094A>G, p.Arg1032Gly (NM_016434.4); c.3166A>G, p.Arg1056Gly (NM_032957.5); short protein forms R1032G, R1056G, R809G.
Identifiers: ClinVar variation 3948398 (VCV003948398.1).
Genomic context (GRCh38, chr20:63,694,473, plus strand): 5'-GCAGCCCAGCAGCTGGACCCCCAAGAGCACCTGAACCAGGGCAGGCCCCACCTGTCGCCC[A>G]GGCCACCCCCAACAGGTAGCTGACTCCTGAACCGTGTGCAGCCTACGACTTGGTGGGTCC-3'
Protein context (NP_001269938.1, residues 1022-1042): LNQGRPHLSP[Arg1032Gly]PPPTGDPGSQ